The following is an entry in ClinVar:

ClinVar aggregate classification (germline): Uncertain significance (1 of 4 stars; one submission).

Conditions:
Hereditary cancer-predisposing syndrome. Also called: Neoplastic Syndromes, Hereditary; Tumor predisposition; Hereditary Cancer Syndrome; Hereditary neoplastic syndrome. Identifiers: Orphanet 140162, MedGen C0027672, MeSH D009386, MONDO:0015356.

Submission:

Ambry Genetics
Classification: Uncertain significance for Hereditary cancer-predisposing syndrome. Last evaluated: 2016-12-14. Review status: criteria provided, single submitter. Criteria: Ambry Variant Classification Scheme 2023. Collection method: clinical testing. Allele origin: germline.
Comment: The p.A172T variant (also known as c.514G>A), located in coding exon 6 of the RAD51D gene, results from a G to A substitution at nucleotide position 514. The alanine at codon 172 is replaced by threonine, an amino acid with similar properties. This amino acid position is not well conserved in available vertebrate species. In addition, the in silico prediction for this alteration is inconclusive. Since supporting evidence is limited at this time, the clinical significance of this alteration remains unclear.

NM_002878.4(RAD51D):c.514G>A (p.Ala172Thr)

Genes: RAD51L3-RFFL (RAD51L3-RFFL readthrough; minus strand), RAD51D (RAD51 paralog D; minus strand). Cytogenetic location: 17q12.
Variant type: single nucleotide variant.
Coding change: c.514G>A on transcript NM_002878.4 (MANE Select); coding-DNA position 514, G replaced by A.
Protein change: p.Ala172Thr; replaces alanine 172 with threonine.
Molecular consequence: missense variant. On other transcripts: non-coding transcript variant (3).
Genome position (GRCh38, 1-based): chr17:35,106,448, C>T on the plus strand (G>A on the coding strand, the complement: RAD51D is on the minus strand). VCF-style: chr17-35106448-C-T. GRCh37 (hg19) VCF-style: chr17-33433467-C-T.
Other names: c.574G>A, p.Ala192Thr (NM_001142571.2); c.178G>A, p.Ala60Thr (NM_133629.3); short protein forms A172T, A60T, A192T.
Identifiers: ClinVar variation 482198 (VCV000482198.5), dbSNP rs1555568157, ClinGen allele CA399088886.